The following is an entry in ClinVar:

NM_004491.5(ARHGAP35):c.705C>T (p.Asn235=)

Gene: ARHGAP35 (Rho GTPase activating protein 35; plus strand). Cytogenetic location: 19q13.32.
Variant type: single nucleotide variant.
Coding change: c.705C>T on transcript NM_004491.5 (MANE Select); coding-DNA position 705, C replaced by T.
Protein change: p.Asn235=; no amino-acid change (asparagine 235 retained).
Molecular consequence: synonymous variant.
Genome position (GRCh38, 1-based): chr19:46,919,380, C>T. VCF-style: chr19-46919380-C-T. GRCh37 (hg19) VCF-style: chr19-47422637-C-T.
Identifiers: ClinVar variation 4984631 (VCV004984631.1).

ClinVar aggregate classification (germline): Likely benign (1 of 4 stars; one submission).

Conditions:
ARHGAP35-related condition.

gnomAD v4.1: 356 of 1,613,892 alleles (0.022%); highest among the groups gnomAD compares: Non-Finnish European, 0.028%; no homozygotes.

Submission:

PreventionGenetics, part of Exact Sciences
Classification: Likely benign for ARHGAP35-related condition. Last evaluated: 2026-08-05. Review status: criteria provided, single submitter. Criteria: ACMG Guidelines, 2015. Collection method: clinical testing. Allele origin: germline.
Comment: This variant is classified as likely benign based on ACMG/AMP sequence variant interpretation guidelines (Richards et al. 2015 PMID: 25741868, with internal and published modifications).